The following is an entry in ClinVar:

ClinVar aggregate classification (germline): Uncertain significance (1 of 4 stars; one submission).

Conditions:
Cataract 17 multiple types. Also called: CATARACT 17, PULVERULENT; CATARACT 17, CONGENITAL NUCLEAR, AUTOSOMAL RECESSIVE. Identifiers: Orphanet 91492, MedGen C3888124, MONDO:0012688, OMIM 611544.

gnomAD v4.1: 8 of 1,613,738 alleles (0.0005%); highest among the groups gnomAD compares: Admixed American, 0.0083%; no homozygotes.

Submission:

Labcorp Genetics (formerly Invitae), Labcorp
Classification: Uncertain significance for Cataract 17 multiple types. Last evaluated: 2025-10-19. Review status: criteria provided, single submitter. Criteria: Invitae Variant Classification Sherloc (09022015). Collection method: clinical testing. Allele origin: germline.
Comment: This sequence change replaces arginine, which is basic and polar, with histidine, which is basic and polar, at codon 86 of the CRYBB1 protein (p.Arg86His). This variant is present in population databases (rs771555836, gnomAD 0.01%). This variant has not been reported in the literature in individuals affected with CRYBB1-related conditions. Invitae Evidence Modeling of protein sequence and biophysical properties (such as structural, functional, and spatial information, amino acid conservation, physicochemical variation, residue mobility, and thermodynamic stability) indicates that this missense variant is not expected to disrupt CRYBB1 protein function with a negative predictive value of 80%. In summary, the available evidence is currently insufficient to determine the role of this variant in disease. Therefore, it has been classified as a Variant of Uncertain Significance.

NM_001887.4(CRYBB1):c.257G>A (p.Arg86His)

Genes: CRYBA4 (crystallin beta A4; plus strand), CRYBB1 (crystallin beta B1; minus strand). Cytogenetic location: 22q12.1.
Variant type: single nucleotide variant.
Coding change: c.257G>A on transcript NM_001887.4 (MANE Select); coding-DNA position 257, G replaced by A.
Protein change: p.Arg86His; replaces arginine 86 with histidine.
Molecular consequence: missense variant.
Genome position (GRCh38, 1-based): chr22:26,612,114, C>T on the plus strand (G>A on the coding strand, the complement: CRYBB1 is on the minus strand). VCF-style: chr22-26612114-C-T. GRCh37 (hg19) VCF-style: chr22-27008078-C-T.
Other names: short protein forms R86H.
Identifiers: ClinVar variation 4706810 (VCV004706810.1).